The following is an entry in ClinVar:

ClinVar aggregate classification (germline): Conflicting classifications of pathogenicity. Review status: criteria provided, conflicting classifications (1 of 4 stars). 5 submissions from 5 submitters: Uncertain significance (4); Likely benign (1). Last evaluated 2025-03-14.

Conditions:
Inborn genetic diseases. Identifiers: MedGen C0950123, MeSH D030342.

Allele frequency attached by ClinVar (database versions not stated): gnomAD 0.00001; TOPMed 0.00001; gnomAD exomes 0.00003; ExAC 0.00004.
gnomAD v4.1: 22 of 1,588,078 alleles (0.0014%); highest among the groups gnomAD compares: South Asian, 0.012%; no homozygotes.

Submissions (5):

Ambry Genetics
Classification: Uncertain significance for Inborn genetic diseases. Last evaluated: 2025-03-14. Review status: criteria provided, single submitter. Criteria: Ambry Variant Classification Scheme 2023. Collection method: clinical testing. Allele origin: germline.

GeneDx
Classification: Uncertain significance. Last evaluated: 2024-11-26. Review status: criteria provided, single submitter. Criteria: GeneDx Variant Classification Process June 2021. Collection method: clinical testing. Allele origin: germline. Affected: yes.
Comment: In silico analysis indicates that this missense variant does not alter protein structure/function; Has not been previously published as pathogenic or benign to our knowledge

Blueprint Genetics
Classification: Uncertain significance. Last evaluated: 2024-10-23. Review status: criteria provided, single submitter. Criteria: ACMG Guidelines, 2015. Collection method: clinical testing. Allele origin: germline.

Labcorp Genetics (formerly Invitae), Labcorp
Classification: Uncertain significance. Last evaluated: 2022-07-12. Review status: criteria provided, single submitter. Criteria: Invitae Variant Classification Sherloc (09022015). Collection method: clinical testing. Allele origin: germline.
Comment: This sequence change replaces methionine, which is neutral and non-polar, with leucine, which is neutral and non-polar, at codon 3345 of the CDH23 protein (p.Met3345Leu). This variant is present in population databases (rs368597074, gnomAD 0.02%). This variant has not been reported in the literature in individuals affected with CDH23-related conditions. ClinVar contains an entry for this variant (Variation ID: 227215). Algorithms developed to predict the effect of missense changes on protein structure and function are either unavailable or do not agree on the potential impact of this missense change (SIFT: "Tolerated"; PolyPhen-2: "Not Available"; Align-GVGD: "Class C0"). In summary, the available evidence is currently insufficient to determine the role of this variant in disease. Therefore, it has been classified as a Variant of Uncertain Significance.

Laboratory for Molecular Medicine, Mass General Brigham Personalized Medicine
Classification: Likely benign. Last evaluated: 2015-04-17. Review status: criteria provided, single submitter. Criteria: LMM Criteria. Collection method: clinical testing. Allele origin: germline. Observed: 1 variant allele.
Comment: p.Met3345Leu in exon 70 of CDH23: This variant is not expected to have clinical significance due to a lack of conservation across species, including mammals. Of note, 7 mammals have a leucine (Leu) at this position despite relatively high n earby amino acid conservation. In addition, computational prediction tools do no t suggest a high likelihood of impact to the protein. It has been identified in 2/7774 of East Asian chromosomes and in 2/10312 South Asian chromosomes by the E xome Aggregation Consortium (ExAC; dbSNP rs36859 7074).

NM_022124.6(CDH23):c.10033A>C (p.Met3345Leu)

Gene: CDH23 (cadherin related 23; plus strand). Cytogenetic location: 10q22.1.
Variant type: single nucleotide variant.
Coding change: c.10033A>C on transcript NM_022124.6 (MANE Select); coding-DNA position 10033, A replaced by C.
Protein change: p.Met3345Leu; replaces methionine 3345 with leucine.
Molecular consequence: missense variant.
Genome position (GRCh38, 1-based): chr10:71,815,246, A>C. VCF-style: chr10-71815246-A-C. GRCh37 (hg19) VCF-style: chr10-73575003-A-C.
Other names: c.3313A>C, p.Met1105Leu (NM_001171933.1); c.3208A>C, p.Met1070Leu (NM_001171934.1); c.724A>C, p.Met242Leu (NM_001171935.1); c.619A>C, p.Met207Leu (NM_001171936.1); short protein forms M3345L, M1070L, M242L, M1105L, M207L.
Identifiers: ClinVar variation 227215 (VCV000227215.11), dbSNP rs368597074, ClinGen allele CA5547251.